The following is an entry in ClinVar:

NM_000297.4(PKD2):c.646T>A (p.Tyr216Asn)

Gene: PKD2 (polycystin 2, transient receptor potential cation channel; plus strand). Cytogenetic location: 4q22.1.
Variant type: single nucleotide variant.
Coding change: c.646T>A on transcript NM_000297.4 (MANE Select); coding-DNA position 646, T replaced by A.
Protein change: p.Tyr216Asn; replaces tyrosine 216 with asparagine.
Molecular consequence: missense variant. On other transcripts: non-coding transcript variant (1).
Genome position (GRCh38, 1-based): chr4:88,019,508, T>A. VCF-style: chr4-88019508-T-A. GRCh37 (hg19) VCF-style: chr4-88940660-T-A.
Other names: c.646T>A (NM_000297.3); short protein forms Y216N.
Identifiers: ClinVar variation 2040469 (VCV002040469.5), dbSNP rs1173751614, ClinGen allele CA357628371.

ClinVar aggregate classification (germline): Uncertain significance. Review status: criteria provided, multiple submitters, no conflicts (2 of 4 stars). 2 submissions from 2 submitters: Uncertain significance (2). Last evaluated 2026-01-18.

Conditions:
Autosomal dominant polycystic kidney disease. Identifiers: Orphanet 730, MedGen C0085413, MONDO:0004691.
Inborn genetic diseases. Identifiers: MedGen C0950123, MeSH D030342.

Allele frequency attached by ClinVar (database versions not stated): gnomAD 0.00003; TOPMed 0.00003; gnomAD exomes 0.00004.
gnomAD v4.1: 55 of 1,608,628 alleles (0.0034%); highest among the groups gnomAD compares: Non-Finnish European, 0.0043%; no homozygotes.

Submissions (2):

Labcorp Genetics (formerly Invitae), Labcorp
Classification: Uncertain significance for Autosomal dominant polycystic kidney disease. Last evaluated: 2026-01-18. Review status: criteria provided, single submitter. Criteria: Invitae Variant Classification Sherloc (09022015). Collection method: clinical testing. Allele origin: germline.
Comment: This sequence change replaces tyrosine, which is neutral and polar, with asparagine, which is neutral and polar, at codon 216 of the PKD2 protein (p.Tyr216Asn). This variant is present in population databases (no rsID available, gnomAD 0.0009%). This variant has not been reported in the literature in individuals affected with PKD2-related conditions. ClinVar contains an entry for this variant (Variation ID: 2040469). Invitae Evidence Modeling of protein sequence and biophysical properties (such as structural, functional, and spatial information, amino acid conservation, physicochemical variation, residue mobility, and thermodynamic stability) indicates that this missense variant is not expected to disrupt PKD2 protein function with a negative predictive value of 80%. In summary, the available evidence is currently insufficient to determine the role of this variant in disease. Therefore, it has been classified as a Variant of Uncertain Significance.

Ambry Genetics
Classification: Uncertain significance for Inborn genetic diseases. Last evaluated: 2024-11-09. Review status: criteria provided, single submitter. Criteria: Ambry Variant Classification Scheme 2023. Collection method: clinical testing. Allele origin: germline.